The following is an entry in ClinVar:

ClinVar aggregate classification (germline): Uncertain significance. Review status: criteria provided, multiple submitters, no conflicts (2 of 4 stars). 2 submissions from 2 submitters: Uncertain significance (2). Last evaluated 2025-11-16.

Conditions:
Hereditary cancer-predisposing syndrome. Also called: Hereditary neoplastic syndrome; Hereditary Cancer Syndrome; Neoplastic Syndromes, Hereditary; Tumor predisposition. Identifiers: Orphanet 140162, MedGen C0027672, MeSH D009386, MONDO:0015356.
Cardiovascular phenotype. Identifiers: MedGen CN230736.
Neurofibromatosis, type 1 (NF1). Also called: Peripheral type neurofibromatosis; VON RECKLINGHAUSEN DISEASE; Neurofibromatosis, type I; NEUROFIBROMATOSIS, TYPE I, SOMATIC. Identifiers: Orphanet 636, MedGen C0027831, MONDO:0018975, OMIM 162200. Disease mechanism: loss of function.

Submissions (2):

Ambry Genetics
Classification: Uncertain significance for Cardiovascular phenotype; Hereditary cancer-predisposing syndrome. Last evaluated: 2025-11-16. Review status: criteria provided, single submitter. Criteria: Ambry Variant Classification Scheme 2023. Collection method: clinical testing. Allele origin: germline.
Comment: The p.L2597P variant (also known as c.7790T>C), located in coding exon 52 of the NF1 gene, results from a T to C substitution at nucleotide position 7790. The leucine at codon 2597 is replaced by proline, an amino acid with similar properties. This amino acid position is conserved. In addition, this alteration is predicted to be deleterious by in silico analysis. Based on the available evidence, the clinical significance of this variant remains unclear.

Labcorp Genetics (formerly Invitae), Labcorp
Classification: Uncertain significance for Neurofibromatosis, type 1. Last evaluated: 2025-05-13. Review status: criteria provided, single submitter. Criteria: Invitae Variant Classification Sherloc (09022015). Collection method: clinical testing. Allele origin: germline.
Comment: This sequence change replaces leucine, which is neutral and non-polar, with proline, which is neutral and non-polar, at codon 2597 of the NF1 protein (p.Leu2597Pro). This variant is not present in population databases (gnomAD no frequency). This variant has not been reported in the literature in individuals affected with NF1-related conditions. Invitae Evidence Modeling of protein sequence and biophysical properties (such as structural, functional, and spatial information, amino acid conservation, physicochemical variation, residue mobility, and thermodynamic stability) indicates that this missense variant is expected to disrupt NF1 protein function with a positive predictive value of 95%. In summary, the available evidence is currently insufficient to determine the role of this variant in disease. Therefore, it has been classified as a Variant of Uncertain Significance.

NM_001042492.3(NF1):c.7853T>C (p.Leu2618Pro)

Gene: NF1 (neurofibromin 1; plus strand). Cytogenetic location: 17q11.2.
Variant type: single nucleotide variant.
Coding change: c.7853T>C on transcript NM_001042492.3 (MANE Select); coding-DNA position 7853, T replaced by C.
Protein change: p.Leu2618Pro; replaces leucine 2618 with proline.
Molecular consequence: missense variant.
Genome position (GRCh38, 1-based): chr17:31,357,074, T>C. VCF-style: chr17-31357074-T-C. GRCh37 (hg19) VCF-style: chr17-29684092-T-C.
Other names: c.7790T>C, p.Leu2597Pro (NM_000267.4); short protein forms L2597P, L2618P.
Identifiers: ClinVar variation 4615803 (VCV004615803.2).